The following is an entry in ClinVar:

NM_001018113.3(FANCB):c.77A>G (p.Gln26Arg)

Gene: FANCB (FA complementation group B; minus strand). Cytogenetic location: Xp22.2.
Variant type: single nucleotide variant.
Coding change: c.77A>G on transcript NM_001018113.3 (MANE Select); coding-DNA position 77, A replaced by G.
Protein change: p.Gln26Arg; replaces glutamine 26 with arginine.
Molecular consequence: missense variant. On other transcripts: non-coding transcript variant (1).
Genome position (GRCh38, 1-based): chrX:14,865,434, T>C on the plus strand (A>G on the coding strand, the complement: FANCB is on the minus strand). VCF-style: chrX-14865434-T-C. GRCh37 (hg19) VCF-style: chrX-14883556-T-C.
Other names: c.77A>G, p.Gln26Arg (NM_001324162.2, NM_001410764.1, NM_152633.4); short protein forms Q26R.
Identifiers: ClinVar variation 2885770 (VCV002885770.4), dbSNP rs2519014063, ClinGen allele CA412445340.
Genomic context (GRCh38, chrX:14,865,434, plus strand): 5'-CTGACATGTAATATGGGTGTTTTTGTAGGCTCTTTATCTGCAAAATTTCCTTTAGACAAC[T>C]GGAAAACAAGGACTTCCCCATTATAACACAAGAGCCTTTCTTGTTCGTTAGATGACATTG-3'
Protein context (NP_001018123.1, residues 16-36): LCYNGEVLVF[Gln26Arg]LSKGNFADKE

ClinVar aggregate classification (germline): Uncertain significance. Review status: criteria provided, multiple submitters, no conflicts (2 of 4 stars). 2 submissions from 2 submitters: Uncertain significance (2). Last evaluated 2025-05-05.

Conditions:
Fanconi anemia complementation group B (FANCB). Also called: FANCONI PANCYTOPENIA, TYPE 2; FANCB-Related Fanconi Anemia. Identifiers: Orphanet 84, MedGen C1845292, MONDO:0010351, OMIM 300514.
Fanconi anemia (FA). Also called: Fanconi's anemia. Identifiers: Orphanet 84, MedGen C0015625, MeSH D005199, MONDO:0019391.

Allele frequency attached by ClinVar (database versions not stated): gnomAD exomes below 0.00001.
gnomAD v4.1: 4 of 1,210,450 alleles (0.00033%); highest among the groups gnomAD compares: Non-Finnish European, 0.00045%; no homozygotes.

Submissions (2):

Labcorp Genetics (formerly Invitae), Labcorp
Classification: Uncertain significance for Fanconi anemia. Last evaluated: 2025-05-05. Review status: criteria provided, single submitter. Criteria: Invitae Variant Classification Sherloc (09022015). Collection method: clinical testing. Allele origin: germline.
Comment: This sequence change replaces glutamine, which is neutral and polar, with arginine, which is basic and polar, at codon 26 of the FANCB protein (p.Gln26Arg). This variant is not present in population databases (gnomAD no frequency). This variant has not been reported in the literature in individuals affected with FANCB-related conditions. ClinVar contains an entry for this variant (Variation ID: 2885770). Invitae Evidence Modeling of protein sequence and biophysical properties (such as structural, functional, and spatial information, amino acid conservation, physicochemical variation, residue mobility, and thermodynamic stability) indicates that this missense variant is not expected to disrupt FANCB protein function with a negative predictive value of 80%. In summary, the available evidence is currently insufficient to determine the role of this variant in disease. Therefore, it has been classified as a Variant of Uncertain Significance.

Fulgent Genetics
Classification: Uncertain significance for Fanconi anemia complementation group B. Last evaluated: 2024-01-03. Review status: criteria provided, single submitter. Criteria: ACMG Guidelines, 2015. Collection method: clinical testing. Allele origin: germline.